The following is an entry in ClinVar:

NM_000069.3(CACNA1S):c.5016C>A (p.Asn1672Lys)

Gene: CACNA1S (calcium voltage-gated channel subunit alpha1 S; minus strand). Cytogenetic location: 1q32.1.
Variant type: single nucleotide variant.
Coding change: c.5016C>A on transcript NM_000069.3 (MANE Select); coding-DNA position 5016, C replaced by A.
Protein change: p.Asn1672Lys; replaces asparagine 1672 with lysine.
Molecular consequence: missense variant.
Genome position (GRCh38, 1-based): chr1:201,043,313, G>T on the plus strand (C>A on the coding strand, the complement: CACNA1S is on the minus strand). VCF-style: chr1-201043313-G-T. GRCh37 (hg19) VCF-style: chr1-201012441-G-T.
Other names: short protein forms N1672K.
Identifiers: ClinVar variation 3072077 (VCV003072077.3), dbSNP rs1660347602, ClinGen allele CA344135702.

ClinVar aggregate classification (germline): Uncertain significance. Review status: criteria provided, multiple submitters, no conflicts (2 of 4 stars). 2 submissions from 2 submitters: Uncertain significance (2). Last evaluated 2024-02-17.

Conditions:
Malignant hyperthermia, susceptibility to, 5 (MHS5). Also called: CACNA1S-Related Malignant Hyperthermia Susceptibility. Identifiers: Orphanet 423, MedGen C1866077, MONDO:0011163, OMIM 601887.
Hypokalemic periodic paralysis, type 1. Also called: HypoPP; Hypokalemic Periodic Paralysis Type 1 (AD). Identifiers: Orphanet 681, MedGen C3714580, MONDO:0042979, OMIM 170400.

Submissions (2):

Labcorp Genetics (formerly Invitae), Labcorp
Classification: Uncertain significance for Hypokalemic periodic paralysis, type 1; Malignant hyperthermia, susceptibility to, 5. Last evaluated: 2024-02-17. Review status: criteria provided, single submitter. Criteria: Invitae Variant Classification Sherloc (09022015). Collection method: clinical testing. Allele origin: germline.
Comment: This sequence change replaces asparagine, which is neutral and polar, with lysine, which is basic and polar, at codon 1672 of the CACNA1S protein (p.Asn1672Lys). This variant is not present in population databases (gnomAD no frequency). This variant has not been reported in the literature in individuals affected with CACNA1S-related conditions. Advanced modeling of protein sequence and biophysical properties (such as structural, functional, and spatial information, amino acid conservation, physicochemical variation, residue mobility, and thermodynamic stability) performed at Invitae indicates that this missense variant is not expected to disrupt CACNA1S protein function with a negative predictive value of 95%. In summary, the available evidence is currently insufficient to determine the role of this variant in disease. Therefore, it has been classified as a Variant of Uncertain Significance.

All of Us Research Program, National Institutes of Health
Classification: Uncertain significance for Malignant hyperthermia, susceptibility to, 5. Last evaluated: 2023-06-28. Review status: criteria provided, single submitter. Criteria: ACMG Guidelines, 2015. Collection method: clinical testing. Allele origin: germline. Inheritance: Autosomal dominant inheritance. Observed: 1 variant allele, 1 heterozygote.
Comment: This study involves interpretation of variants in research participants for the purpose of population health screening. Participant phenotype was not available at the time of variant classification. Additional details can be found in publication PMID: 35346344, PMCID: PMC8962531